The following is an entry in ClinVar:

NM_020745.4(AARS2):c.2729C>T (p.Thr910Met)

Gene: AARS2 (alanyl-tRNA synthetase 2, mitochondrial; minus strand). Cytogenetic location: 6p21.1.
Variant type: single nucleotide variant.
Coding change: c.2729C>T on transcript NM_020745.4 (MANE Select); coding-DNA position 2729, C replaced by T.
Protein change: p.Thr910Met; replaces threonine 910 with methionine.
Molecular consequence: missense variant.
Genome position (GRCh38, 1-based): chr6:44,301,220, G>A on the plus strand (C>T on the coding strand, the complement: AARS2 is on the minus strand). VCF-style: chr6-44301220-G-A. GRCh37 (hg19) VCF-style: chr6-44268957-G-A.
Other names: short protein forms T910M.
Identifiers: ClinVar variation 1964414 (VCV001964414.5), dbSNP rs148429504, ClinGen allele CA3833856.
Genomic context (GRCh38, chr6:44,301,220, plus strand): 5'-GCCACCTGACAGGCACACAGCACCTTCCCCATGGGCTGGGGGCTGAGTAGGAGCACAGAC[G>A]TGCTGGGGGCCTGCTCACACAGCTGCCGTACCACCTTCACCAGCACCTGGACCACGAAAG-3'
Protein context (NP_065796.2, residues 900-920): VRQLCEQAPS[Thr910Met]SVLLLSPQPM

ClinVar aggregate classification (germline): Uncertain significance (1 of 4 stars; one submission).

gnomAD v4.1: 16 of 1,613,732 alleles (0.00099%); highest among the groups gnomAD compares: South Asian, 0.0088%; no homozygotes.

Submission:

Labcorp Genetics (formerly Invitae), Labcorp
Classification: Uncertain significance. Last evaluated: 2022-09-07. Review status: criteria provided, single submitter. Criteria: Invitae Variant Classification Sherloc (09022015). Collection method: clinical testing. Allele origin: germline.
Comment: In summary, the available evidence is currently insufficient to determine the role of this variant in disease. Therefore, it has been classified as a Variant of Uncertain Significance. Advanced modeling of protein sequence and biophysical properties (such as structural, functional, and spatial information, amino acid conservation, physicochemical variation, residue mobility, and thermodynamic stability) performed at Invitae indicates that this missense variant is not expected to disrupt AARS2 protein function. This variant has not been reported in the literature in individuals affected with AARS2-related conditions. This variant is present in population databases (rs148429504, gnomAD 0.02%). This sequence change replaces threonine, which is neutral and polar, with methionine, which is neutral and non-polar, at codon 910 of the AARS2 protein (p.Thr910Met).